The following is an entry in ClinVar:

ClinVar aggregate classification (germline): Uncertain significance. Review status: criteria provided, multiple submitters, no conflicts (2 of 4 stars). 3 submissions from 3 submitters: Uncertain significance (3). Last evaluated 2022-02-02.

Conditions:
Dilated cardiomyopathy 1G (CMD1G). Identifiers: Orphanet 154, MedGen C1858763, MONDO:0011400, OMIM 604145.

Submissions (3):

Victorian Clinical Genetics Services, Murdoch Childrens Research Institute
Classification: Uncertain significance for Dilated cardiomyopathy 1G. Last evaluated: 2022-02-02. Review status: criteria provided, single submitter. Criteria: ACMG Guidelines, 2015. Collection method: clinical testing. Allele origin: germline. Inheritance: Autosomal dominant inheritance. Affected: yes.
Comment: Based on the classification scheme VCGS_Germline_v1.3.4, this variant is classified as VUS-3B. Following criteria are met: 0102 - Loss of function is known mechanism of disease in this gene. In addition, dominant-negative is also a suggested mechanism (PMID: 25589632). (I) 0108 - This gene is associated with both recessive and dominant disease (OMIM). (I) 0112 - The condition associated with this gene has incomplete penetrance. Variants in this gene that result in a premature truncating codon (PTC) are known to have reduced penetrance in DCM (PMID: 25589632). (I) 0216 - In-frame insertion/deletion in a non-repetitive region that has low conservation. (SP) 0251 - This variant is heterozygous. (I) 0301 - Variant is absent from gnomAD (both v2 and v3). (SP) 0600 - Variant is located in the annotated fibronectin type-III 71 domain (UniProt). (I) 0705 - No comparable in-frame deletion variants have previous evidence for pathogenicity. (I) 0809 - Previous evidence of pathogenicity for this variant is inconclusive. This variant has two VUS entries in ClinVar. (I) 0905 - No published segregation evidence has been identified for this variant. (I) 1007 - No published functional evidence has been identified for this variant. (I) 1208 - Inheritance information for this variant is not currently available in this individual. (I) Legend: (SP) - Supporting pathogenic, (I) - Information, (SB) - Supporting benign

GeneDx
Classification: Uncertain significance. Last evaluated: 2019-06-17. Review status: criteria provided, single submitter. Criteria: GeneDx Variant Classification Process June 2021. Collection method: clinical testing. Allele origin: germline. Affected: yes.
Comment: Has not been previously published as pathogenic or benign to our knowledge; Reported in ClinVar but additional evidence is not available (ClinVar Variant ID# 202463; Landrum et al., 2016); Not observed in large population cohorts (Lek et al., 2016); In silico analysis, which includes protein predictors and evolutionary conservation, supports a deleterious effect

Eurofins Ntd Llc (ga)
Classification: Uncertain significance. Last evaluated: 2018-01-12. Review status: criteria provided, single submitter. Criteria: EGL Classification Definitions 2015. Collection method: clinical testing. Allele origin: germline. Observed: 1 variant allele, 1 heterozygote.

Literature cited by the submitters: PubMed 25589632 (cited by Victorian Clinical Genetics Services, Murdoch Childrens Research Institute).

NM_001267550.2(TTN):c.70946ACA[1] (p.Asn23650del)

Genes: TTN (titin; minus strand), TTN-AS1 (TTN antisense RNA 1; plus strand). Cytogenetic location: 2q31.2.
Variant type: Microsatellite.
Coding change: c.70946ACA[1] on transcript NM_001267550.2 (MANE Select); one copy of the 3-base unit ACA starting at c.70946; the reference has two copies in a row; one copy, 3 bases deleted.
Protein change: p.Asn23650del; deletes asparagine 23650.
Molecular consequence: inframe deletion.
Genome position (GRCh38, 1-based): chr2:178,575,181-178,575,183, TGT deleted on the plus strand (ACA on the coding strand, the reverse complement: TTN is on the minus strand); deleting any 3 consecutive bases within chr2:178,575,181-178,575,186 gives the same sequence; the position shown is the placement nearest the transcript's 3' end. VCF-style (leftmost placement, unchanged base first): chr2-178575180-ATGT-A. GRCh37 (hg19) VCF-style: chr2-179439907-ATGT-A.
Other names: c.66026_66028delACA (NM_001256850.1); c.70949_70951delACA (NM_001267550.1); c.66023ACA[1], p.Asn22009del (NM_001256850.1); c.43751ACA[1], p.Asn14585del (NM_003319.4); c.63242ACA[1], p.Asn21082del (NM_133378.4); c.44126ACA[1], p.Asn14710del (NM_133432.3); c.44327ACA[1], p.Asn14777del (NM_133437.4); c.66026_66028del (NM_001256850.1); short protein forms N22009del, N23650del, N21082del, N14710del, N14585del, N14777del.
Identifiers: ClinVar variation 202463 (VCV000202463.8), dbSNP rs794729336, ClinGen allele CA309425.
Genomic context (GRCh38, chr2:178,575,180, plus strand): 5'-TCTCCTTTTTTCCATGTCACTGTGGGCTTCGGTCGACCGAGCACTGGAATTTCAACTTTG[ATGT>A]TGTCACCAGCTTTGGCAATGACCAGTTTCTGATAGATGCCACGGAGATCCAGCTCTGGAA-3'